The following is an entry in ClinVar:

NM_177438.3(DICER1):c.5318T>C (p.Val1773Ala)

Gene: DICER1 (dicer 1, ribonuclease III; minus strand). Cytogenetic location: 14q32.13.
Variant type: single nucleotide variant.
Coding change: c.5318T>C on transcript NM_177438.3 (MANE Select); coding-DNA position 5318, T replaced by C.
Protein change: p.Val1773Ala; replaces valine 1773 with alanine.
Molecular consequence: missense variant. On other transcripts: non-coding transcript variant (6).
Genome position (GRCh38, 1-based): chr14:95,093,934, A>G on the plus strand (T>C on the coding strand, the complement: DICER1 is on the minus strand). VCF-style: chr14-95093934-A-G. GRCh37 (hg19) VCF-style: chr14-95560271-A-G.
Other names: c.5318T>C, p.Val1773Ala (NM_001195573.1, NM_001271282.3, NM_001291628.2 and 8 more transcripts); c.5036T>C, p.Val1679Ala (NM_001395686.1); c.4913T>C, p.Val1638Ala (NM_001395687.1, NM_001395688.1, NM_001395689.1 and 1 more transcripts); c.4751T>C, p.Val1584Ala (NM_001395691.1); c.3635T>C, p.Val1212Ala (NM_001395697.1); short protein forms V1679A, V1212A, V1773A, V1584A, V1638A.
Identifiers: ClinVar variation 3272041 (VCV003272041.1).

ClinVar aggregate classification (germline): Uncertain significance (1 of 4 stars; one submission).

Conditions:
Hereditary cancer-predisposing syndrome. Also called: Tumor predisposition; Hereditary Cancer Syndrome; Hereditary neoplastic syndrome; Neoplastic Syndromes, Hereditary. Identifiers: Orphanet 140162, MedGen C0027672, MeSH D009386, MONDO:0015356.

Submission:

Ambry Genetics
Classification: Uncertain significance for Hereditary cancer-predisposing syndrome. Last evaluated: 2024-06-02. Review status: criteria provided, single submitter. Criteria: Ambry Variant Classification Scheme 2023. Collection method: clinical testing. Allele origin: germline.
Comment: The p.V1773A variant (also known as c.5318T>C), located in coding exon 23 of the DICER1 gene, results from a T to C substitution at nucleotide position 5318. The valine at codon 1773 is replaced by alanine, an amino acid with similar properties. This amino acid position is conserved. In addition, this alteration is predicted to be deleterious by in silico analysis. Based on the available evidence, the clinical significance of this variant remains unclear.